The following is an entry in ClinVar:

ClinVar aggregate classification (germline): Pathogenic (1 of 4 stars; one submission).

Conditions:
Leber congenital amaurosis 6 (LCA6). Identifiers: Orphanet 65, MedGen C1854260, MONDO:0013446, OMIM 613826.
Cone-rod dystrophy 13 (CORD13). Identifiers: Orphanet 1872, MedGen C2750720, MONDO:0011987, OMIM 608194.

Submission:

Labcorp Genetics (formerly Invitae), Labcorp
Classification: Pathogenic for Leber congenital amaurosis 6; Cone-rod dystrophy 13. Last evaluated: 2022-10-24. Review status: criteria provided, single submitter. Criteria: Invitae Variant Classification Sherloc (09022015). Collection method: clinical testing. Allele origin: unknown.
Comment: For these reasons, this variant has been classified as Pathogenic. This variant has not been reported in the literature in individuals affected with RPGRIP1-related conditions. This variant is a gross deletion of the genomic region encompassing exon(s) 16 of the RPGRIP1 gene. This deletion is out-of-frame, and is expected to create a premature termination codon and result in an absent or disrupted protein product. Loss-of-function variants in RPGRIP1 are known to be pathogenic (PMID: 11528500, 23105016).

Literature cited by the submitters: PubMed 11528500; PubMed 23105016.

NC_000014.8:g.(?_21793972)_(21794928_?)del

Gene: RPGRIP1 (RPGR interacting protein 1; plus strand). Cytogenetic location: 14q11.2.
Variant type: Deletion.
Identifiers: ClinVar variation 3243979 (VCV003243979.1).